The following is an entry in ClinVar:

ClinVar aggregate classification (germline): Uncertain significance (1 of 4 stars; one submission).

Conditions:
Autosomal recessive limb-girdle muscular dystrophy type 2P. Also called: MUSCULAR DYSTROPHY-DYSTROGLYCANOPATHY, LIMB-GIRDLE, DAG1-RELATED; Limb-Girdle Muscular Dystrophy Type 9C; MUSCULAR DYSTROPHY, LIMB-GIRDLE, TYPE 2P. Identifiers: Orphanet 280333, MedGen C4511963, MONDO:0013440, OMIM 613818.
Muscular dystrophy-dystroglycanopathy (congenital with brain and eye anomalies), type A9. Also called: Muscular dystrophy-dystroglycanopathy (congenital with brain and eye anomalies), type a, 9; WALKER-WARBURG SYNDROME OR MUSCLE-EYE BRAIN DISEASE, DAG1-RELATED. Identifiers: Orphanet 370997, Orphanet 899, MedGen C4225291, MONDO:0014683, OMIM 616538.

Submission:

Labcorp Genetics (formerly Invitae), Labcorp
Classification: Uncertain significance for Limb-girdle muscular dystrophy-dystroglycanopathy, type C9; Muscular dystrophy-dystroglycanopathy (congenital with brain and eye anomalies), type a, 9. Last evaluated: 2019-09-16. Review status: criteria provided, single submitter. Criteria: Invitae Variant Classification Sherloc (09022015). Collection method: clinical testing. Allele origin: germline.
Comment: This sequence change replaces asparagine with isoleucine at codon 661 of the DAG1 protein (p.Asn661Ile). The asparagine residue is highly conserved and there is a large physicochemical difference between asparagine and isoleucine. This variant is not present in population databases (ExAC no frequency). This variant has not been reported in the literature in individuals with DAG1-related conditions. Algorithms developed to predict the effect of missense changes on protein structure and function (SIFT, PolyPhen-2, Align-GVGD) all suggest that this variant is likely to be disruptive, but these predictions have not been confirmed by published functional studies and their clinical significance is uncertain. In summary, the available evidence is currently insufficient to determine the role of this variant in disease. Therefore, it has been classified as a Variant of Uncertain Significance.

NM_004393.6(DAG1):c.1982_1983delinsTT (p.Asn661Ile)

Gene: DAG1 (dystroglycan 1; plus strand). Cytogenetic location: 3p21.31.
Variant type: Indel.
Coding change: c.1982_1983delinsTT on transcript NM_004393.6 (MANE Select); coding-DNA positions 1982 to 1983, AC replaced by TT.
Protein change: p.Asn661Ile; replaces asparagine 661 with isoleucine.
Molecular consequence: missense variant.
Genome position (GRCh38, 1-based): chr3:49,532,493-49,532,494, AC replaced by TT. VCF-style: chr3-49532493-AC-TT. GRCh37 (hg19) VCF-style: chr3-49569926-AC-TT.
Other names: c.1982_1983delinsTT, p.Asn661Ile (NM_001165928.4, NM_001177634.3, NM_001177635.3 and 9 more transcripts); short protein forms N661I.
Identifiers: ClinVar variation 940891 (VCV000940891.2), dbSNP rs2051384851, ClinGen allele CA1139658086.